The following is an entry in ClinVar:

NM_015122.3(FCHO1):c.960G>A (p.Val320=)

Gene: FCHO1 (FCH and mu domain containing endocytic adaptor 1; plus strand). Cytogenetic location: 19p13.11.
Variant type: single nucleotide variant.
Coding change: c.960G>A on transcript NM_015122.3 (MANE Select); coding-DNA position 960, G replaced by A.
Protein change: p.Val320=; no amino-acid change (valine 320 retained).
Molecular consequence: synonymous variant. On other transcripts: non-coding transcript variant (36).
Genome position (GRCh38, 1-based): chr19:17,775,470, G>A. VCF-style: chr19-17775470-G-A. GRCh37 (hg19) VCF-style: chr19-17886279-G-A.
Other names: c.960G>A (NM_001161357.1); c.960G>A, p.Val320= (NM_001161357.2, NM_001161358.2, NM_001384370.1 and 25 more transcripts); c.810G>A, p.Val270= (NM_001161359.2, NM_001384384.1, NM_001384385.1 and 3 more transcripts); c.921G>A, p.Val307= (NM_001384388.1, NM_001384389.1, NM_001384405.1); c.885G>A, p.Val295= (NM_001384390.1); c.915G>A, p.Val305= (NM_001384403.1).
Identifiers: ClinVar variation 1991418 (VCV001991418.5), dbSNP rs945830417, ClinGen allele CA306114628.

ClinVar aggregate classification (germline): Likely benign. Review status: criteria provided, multiple submitters, no conflicts (2 of 4 stars). 2 submissions from 2 submitters: Likely benign (2). Last evaluated 2026-09-16.

Conditions:
FCHO1-related disorder. Also called: FCHO1-related condition.

Allele frequency attached by ClinVar (database versions not stated): gnomAD exomes 0.00002; gnomAD 0.00005; TOPMed 0.00015.
gnomAD v4.1: 17 of 1,613,822 alleles (0.0011%); highest among the groups gnomAD compares: Admixed American, 0.027%; no homozygotes.

Submissions (2):

PreventionGenetics, part of Exact Sciences
Classification: Likely benign for FCHO1-related condition. Last evaluated: 2026-09-16. Review status: criteria provided, single submitter. Criteria: ACMG Guidelines, 2015. Collection method: clinical testing. Allele origin: germline.
Comment: This variant is classified as likely benign based on ACMG/AMP sequence variant interpretation guidelines (Richards et al. 2015 PMID: 25741868, with internal and published modifications).

Labcorp Genetics (formerly Invitae), Labcorp
Classification: Likely benign. Last evaluated: 2026-01-28. Review status: criteria provided, single submitter. Criteria: Invitae Variant Classification Sherloc (09022015). Collection method: clinical testing. Allele origin: germline.